The following is an entry in ClinVar:

ClinVar aggregate classification (germline): Likely pathogenic (1 of 4 stars; one submission).

Submission:

Labcorp Genetics (formerly Invitae), Labcorp
Classification: Likely pathogenic. Last evaluated: 2024-09-18. Review status: criteria provided, single submitter. Criteria: Invitae Variant Classification Sherloc (09022015). Collection method: clinical testing. Allele origin: germline.
Comment: This sequence change affects an acceptor splice site in intron 11 of the COL13A1 gene. It is expected to disrupt RNA splicing. Variants that disrupt the donor or acceptor splice site typically lead to a loss of protein function (PMID: 16199547), and loss-of-function variants in COL13A1 are known to be pathogenic (PMID: 26626625). This variant is not present in population databases (gnomAD no frequency). This variant has not been reported in the literature in individuals affected with COL13A1-related conditions. Algorithms developed to predict the effect of sequence changes on RNA splicing suggest that this variant may disrupt the consensus splice site. In summary, the currently available evidence indicates that the variant is pathogenic, but additional data are needed to prove that conclusively. Therefore, this variant has been classified as Likely Pathogenic.

Literature cited by the submitters: PubMed 16199547; PubMed 26626625.

NM_001368882.1(COL13A1):c.658-1G>C

Gene: COL13A1 (collagen type XIII alpha 1 chain; plus strand). Cytogenetic location: 10q22.1.
Variant type: single nucleotide variant.
Coding change: c.658-1G>C on transcript NM_001368882.1 (MANE Select); the canonical splice acceptor site of the intron before coding-DNA position 658, G replaced by C.
Molecular consequence: splice acceptor variant.
Genome position (GRCh38, 1-based): chr10:69,895,549, G>C. VCF-style: chr10-69895549-G-C. GRCh37 (hg19) VCF-style: chr10-71655305-G-C.
Other names: c.658-1G>C (NM_001320951.2, NM_001368884.1); c.631-1G>C (NM_001130103.2, NM_080801.4, NM_080802.4 and 1 more transcripts); c.58-1G>C (NM_001368886.1); c.622-1G>C (NM_001368883.1, NM_001368885.1); c.544-1G>C (NM_080805.4, NM_001368897.1); c.568-1G>C (NM_001368895.1); c.517-1G>C (NM_001368898.1, NM_080798.4, NM_001368896.1).
Identifiers: ClinVar variation 3670724 (VCV003670724.2).